The following is an entry in ClinVar:

ClinVar aggregate classification (germline): Uncertain significance (1 of 4 stars; one submission).

Conditions:
Charcot-Marie-Tooth disease, type I (CMT1). Also called: Charcot-Marie-Tooth disease type 1; Charcot-Marie-Tooth, Type 1. Identifiers: Orphanet 65753, MedGen C0751036, MONDO:0019011.

Submission:

Labcorp Genetics (formerly Invitae), Labcorp
Classification: Uncertain significance for Charcot-Marie-Tooth disease, type I. Last evaluated: 2022-07-19. Review status: criteria provided, single submitter. Criteria: Invitae Variant Classification Sherloc (09022015). Collection method: clinical testing. Allele origin: germline.
Comment: This variant has not been reported in the literature in individuals affected with EGR2-related conditions. This variant is not present in population databases (gnomAD no frequency). This sequence change replaces serine, which is neutral and polar, with asparagine, which is neutral and polar, at codon 460 of the EGR2 protein (p.Ser460Asn). Experimental studies and prediction algorithms are not available or were not evaluated, and the functional significance of this variant is currently unknown. In summary, the available evidence is currently insufficient to determine the role of this variant in disease. Therefore, it has been classified as a Variant of Uncertain Significance.

NM_000399.5(EGR2):c.1379G>A (p.Ser460Asn)

Gene: EGR2 (early growth response 2; minus strand). Cytogenetic location: 10q21.3.
Variant type: single nucleotide variant.
Coding change: c.1379G>A on transcript NM_000399.5 (MANE Select); coding-DNA position 1379, G replaced by A.
Protein change: p.Ser460Asn; replaces serine 460 with asparagine.
Molecular consequence: missense variant.
Genome position (GRCh38, 1-based): chr10:62,813,259, C>T on the plus strand (G>A on the coding strand, the complement: EGR2 is on the minus strand). VCF-style: chr10-62813259-C-T. GRCh37 (hg19) VCF-style: chr10-64573019-C-T.
Other names: c.1379G>A, p.Ser460Asn (NM_001136177.3, NM_001136178.2); c.1229G>A, p.Ser410Asn (NM_001136179.3, NM_001321037.2); c.1418G>A, p.Ser473Asn (NM_001410931.1); short protein forms S410N, S460N, S473N.
Identifiers: ClinVar variation 1719689 (VCV001719689.5), dbSNP rs1589080180, ClinGen allele CA377026987.